The following is an entry in ClinVar:

ClinVar aggregate classification (germline): Uncertain significance (1 of 4 stars; one submission).

Conditions:
Cystic fibrosis (CF). Also called: MUCOVISCIDOSIS. Identifiers: Orphanet 586, MedGen C0010674, MONDO:0009061, OMIM 219700. Disease mechanism: loss of function.

Allele frequency attached by ClinVar (database versions not stated): gnomAD 0.00006 and 0.00009; TOPMed 0.00013; 1000 Genomes Project 0.00020; 1000 Genomes Project 30x 0.00016.
gnomAD v4.1: 13 of 152,290 alleles (0.0085%); highest among the groups gnomAD compares: South Asian, 0.021%; no homozygotes.

Submission:

Johns Hopkins Genomics, Johns Hopkins University
Classification: Uncertain significance for Cystic fibrosis. Last evaluated: 2021-06-29. Review status: criteria provided, single submitter. Criteria: ACMG Guidelines, 2015. Collection method: clinical testing. Allele origin: germline.
Comment: This deep intronic CFTR variant (rs147176173) is present in a large population dataset (gnomAD: 2/31396 total alleles; 0.006%; no homozygotes). It has not been reported in ClinVar nor the literature, to our knowledge. Three bioinformatics tools predict that this intronic variant may create a weak cryptic splice donor site, although this has not been confirmed experimentally to our knowledge. We consider the clinical significance of c.1584+3292A>G to be uncertain at this time.

NM_000492.4(CFTR):c.1584+3292A>G

Genes: CFTR (CF transmembrane conductance regulator; plus strand), CFTR-AS1 (CFTR antisense RNA 1; minus strand). Cytogenetic location: 7q31.2.
Variant type: single nucleotide variant.
Coding change: c.1584+3292A>G on transcript NM_000492.4 (MANE Select); 3292 bases into the intron after coding-DNA position 1584, A replaced by G.
Molecular consequence: intron variant.
Genome position (GRCh38, 1-based): chr7:117,562,947, A>G. VCF-style: chr7-117562947-A-G. GRCh37 (hg19) VCF-style: chr7-117203001-A-G.
Identifiers: ClinVar variation 1185028 (VCV001185028.1), dbSNP rs147176173, ClinGen allele CA164970043.
Genomic context (GRCh38, chr7:117,562,947, plus strand): 5'-GAAACTACTTGGTTGGTGCAGGGTATCATCAGCATAGAACCAGACAGAACCAGAGTGTAA[A>G]TAAGCCAGAAGGCCATGTCATGGAGGCCTTGTATACCAGTCTCAGGAATTTGGTTGTGGA-3'